The following is an entry in ClinVar:

NM_020989.4(CRYGC):c.7_9+1dup

Genes: CRYGC (crystallin gamma C; minus strand), LOC100507443 (uncharacterized LOC100507443; plus strand). Cytogenetic location: 2q33.3.
Variant type: Duplication.
Coding change: c.7_9+1dup on transcript NM_020989.4 (MANE Select); coding-DNA position 7 through the canonical splice donor site of the intron after coding-DNA position 9, 4 bases duplicated (AAGG; older notation c.7_9+1dupAAGG).
Molecular consequence: splice donor variant.
Genome position (GRCh38, 1-based): chr2:208,129,783-208,129,786, CCTT duplicated on the plus strand (AAGG on the coding strand, the reverse complement: CRYGC is on the minus strand); duplicating any 4 consecutive bases within chr2:208,129,783-208,129,788 gives the same sequence; the c. name uses the placement nearest the transcript's 3' end. VCF-style (leftmost placement, unchanged base first): chr2-208129782-A-ACCTT. GRCh37 (hg19) VCF-style: chr2-208994506-A-ACCTT.
Identifiers: ClinVar variation 3257038 (VCV003257038.17).
Genomic context (GRCh38, chr2:208,129,782, plus strand): 5'-CCTAACAGGCATTATATAAAGGCAACTTTTTTTTCATTTTATTTAATTTGTGTTCTGCTC[A>ACCTT]CCTTCCCCATGGCTGGTTGACACGGATGATGCGAGTTCAGTGTGATGGGGCCTGCGGCTG-3'

ClinVar aggregate classification (germline): Uncertain significance (1 of 4 stars; one submission).

Submission:

CeGaT Center for Human Genetics Tuebingen
Classification: Uncertain significance. Last evaluated: 2024-07-01. Review status: criteria provided, single submitter. Criteria: CeGaT Center For Human Genetics Tuebingen Variant Classification Criteria Version 2. Collection method: clinical testing. Allele origin: germline. Affected: yes. Observed: 1 variant allele.
Comment: CRYGC: PM2, PVS1:Moderate